The following is an entry in ClinVar:

NM_000618.5(IGF1):c.*105T>C

Genes: IGF1 (insulin like growth factor 1; minus strand), LINC02456 (long intergenic non-protein coding RNA 2456; plus strand). Cytogenetic location: 12q23.2.
Variant type: single nucleotide variant.
Coding change: c.*105T>C on transcript NM_000618.5 (MANE Select); 105 bases downstream of the stop codon, T replaced by C.
Molecular consequence: 3 prime UTR variant.
Genome position (GRCh38, 1-based): chr12:102,402,402, A>G on the plus strand (T>C on the coding strand, the complement: IGF1 is on the minus strand). VCF-style: chr12-102402402-A-G. GRCh37 (hg19) VCF-style: chr12-102796180-A-G.
Other names: c.*139T>C (NM_001111283.3); c.*105T>C (NM_001111284.2).
Identifiers: ClinVar variation 306907 (VCV000306907.6), dbSNP rs149540080, ClinGen allele CA10636253.
Genomic context (GRCh38, chr12:102,402,402, plus strand): 5'-ACAATGTTGGAATGTTTACTTGTGTATTTCATTGGGGGAAACGCCCATCTTTTAAATGTT[A>G]TCAAACTTATTTTTTGGTAGGTGTTCCAAAGTTTAACAGGTAACTCGTGCAGAGCAAAGG-3'

ClinVar aggregate classification (germline): Likely benign. Review status: criteria provided, multiple submitters, no conflicts (2 of 4 stars). 2 submissions from 2 submitters: Likely benign (2). Last evaluated 2018-01-13.

Conditions:
Growth delay due to insulin-like growth factor type 1 deficiency (IGF1D). Also called: GROWTH RETARDATION WITH SENSORINEURAL DEAFNESS AND MENTAL RETARDATION; IGF1 DEFICIENCY. Identifiers: Orphanet 73272, MedGen C1837475, MONDO:0012110, OMIM 608747.

Allele frequency attached by ClinVar (database versions not stated): 1000 Genomes Project 0.00100; TOPMed 0.00122; 1000 Genomes Project 30x 0.00125; gnomAD 0.00125 and 0.00131; gnomAD exomes 0.00153.
gnomAD v4.1: 1,155 of 777,440 alleles (0.15%); highest among the groups gnomAD compares: Non-Finnish European, 0.21%; 3 homozygotes.

Submissions (2):

Illumina Laboratory Services, Illumina
Classification: Likely benign for Growth delay due to insulin-like growth factor type 1 deficiency. Last evaluated: 2018-01-13. Review status: criteria provided, single submitter. Criteria: ICSL Variant Classification Criteria 13 December 2019. Collection method: clinical testing. Allele origin: germline.
Comment: This variant was observed in the ICSL laboratory as part of a predisposition screen in an ostensibly healthy population. It had not been previously curated by ICSL or reported in the Human Gene Mutation Database (HGMD: prior to June 1st, 2018), and was therefore a candidate for classification through an automated scoring system. Utilizing variant allele frequency, disease prevalence and penetrance estimates, and inheritance mode, an automated score was calculated to assess if this variant is too frequent to cause the disease. Based on the score and internal cut-off values, a variant classified as likely benign is not then subjected to further curation. The score for this variant resulted in a classification of likely benign for this disease.

Breakthrough Genomics
Classification: Likely benign. Review status: criteria provided, single submitter. Criteria: ACMG Guidelines, 2015. Collection method: not provided. Allele origin: germline. Inheritance: Autosomal recessive inheritance. Affected: yes.